The following is an entry in ClinVar:

NM_144997.7(FLCN):c.544C>T (p.Leu182Phe)

Gene: FLCN (folliculin; minus strand). Cytogenetic location: 17p11.2.
Variant type: single nucleotide variant.
Coding change: c.544C>T on transcript NM_144997.7 (MANE Select); coding-DNA position 544, C replaced by T.
Protein change: p.Leu182Phe; replaces leucine 182 with phenylalanine.
Molecular consequence: missense variant.
Genome position (GRCh38, 1-based): chr17:17,223,996, G>A on the plus strand (C>T on the coding strand, the complement: FLCN is on the minus strand). VCF-style: chr17-17223996-G-A. GRCh37 (hg19) VCF-style: chr17-17127310-G-A.
Other names: c.598C>T, p.Leu200Phe (NM_001353229.2); c.544C>T, p.Leu182Phe (NM_001353230.2, NM_001353231.2, NM_144606.7); c.544C>T (NM_144997.6); short protein forms L200F, L182F.
Identifiers: ClinVar variation 1470265 (VCV001470265.11), dbSNP rs749368513, ClinGen allele CA8416386.

ClinVar aggregate classification (germline): Uncertain significance. Review status: criteria provided, multiple submitters, no conflicts (2 of 4 stars). 4 submissions from 4 submitters: Uncertain significance (4). Last evaluated 2025-03-19.

Conditions:
Hereditary cancer-predisposing syndrome. Also called: Neoplastic Syndromes, Hereditary; Hereditary Cancer Syndrome; Tumor predisposition; Hereditary neoplastic syndrome. Identifiers: Orphanet 140162, MedGen C0027672, MeSH D009386, MONDO:0015356.
Birt-Hogg-Dube syndrome. Also called: Birt Hogg Dubé syndrome. Identifiers: Orphanet 122, MedGen C0346010, MONDO:0800444.
Birt-Hogg-Dube syndrome 1 (BHD1). Also called: FIBROFOLLICULOMAS WITH TRICHODISCOMAS AND ACROCHORDONS. Identifiers: Orphanet 122, MedGen CN375946, MONDO:0800445, OMIM 135150.

Allele frequency attached by ClinVar (database versions not stated): gnomAD exomes below 0.00001 and 0.00001; TOPMed below 0.00001; ExAC 0.00001.
gnomAD v4.1: 2 of 1,613,716 alleles (0.00012%); highest among the groups gnomAD compares: Admixed American, 0.0033%; no homozygotes.

Submissions (4):

Quest Diagnostics Nichols Institute San Juan Capistrano
Classification: Uncertain significance. Last evaluated: 2025-03-19. Review status: criteria provided, single submitter. Criteria: Quest Diagnostics criteria. Collection method: clinical testing. Allele origin: unknown.
Comment: The FLCN c.544C>T (p.Leu182Phe) variant has not been reported in individuals with FLCN-related conditions in the published literature. The frequency of this variant in the general population (Genome Aggregation Database) is uninformative in the assessment of its pathogenicity. Analysis of this variant using bioinformatics tools for the prediction of the effect of amino acid changes on protein structure and function yielded predictions that this variant is damaging. Based on the available information, we are unable to determine the clinical significance of this variant.

Ambry Genetics
Classification: Uncertain significance for Hereditary cancer-predisposing syndrome. Last evaluated: 2024-12-27. Review status: criteria provided, single submitter. Criteria: Ambry Variant Classification Scheme 2023. Collection method: clinical testing. Allele origin: germline.
Comment: The p.L182F variant (also known as c.544C>T), located in coding exon 3 of the FLCN gene, results from a C to T substitution at nucleotide position 544. The leucine at codon 182 is replaced by phenylalanine, an amino acid with highly similar properties. This amino acid position is highly conserved in available vertebrate species. In addition, this alteration is predicted to be deleterious by in silico analysis. Since supporting evidence is limited at this time, the clinical significance of this alteration remains unclear.

Labcorp Genetics (formerly Invitae), Labcorp
Classification: Uncertain significance for Birt-Hogg-Dube syndrome. Last evaluated: 2024-11-27. Review status: criteria provided, single submitter. Criteria: Invitae Variant Classification Sherloc (09022015). Collection method: clinical testing. Allele origin: germline.
Comment: This sequence change replaces leucine, which is neutral and non-polar, with phenylalanine, which is neutral and non-polar, at codon 182 of the FLCN protein (p.Leu182Phe). This variant is present in population databases (rs749368513, gnomAD 0.006%). This variant has not been reported in the literature in individuals affected with FLCN-related conditions. ClinVar contains an entry for this variant (Variation ID: 1470265). Invitae Evidence Modeling of protein sequence and biophysical properties (such as structural, functional, and spatial information, amino acid conservation, physicochemical variation, residue mobility, and thermodynamic stability) indicates that this missense variant is expected to disrupt FLCN protein function with a positive predictive value of 80%. In summary, the available evidence is currently insufficient to determine the role of this variant in disease. Therefore, it has been classified as a Variant of Uncertain Significance.

Baylor Genetics
Classification: Uncertain significance for Birt-Hogg-Dube syndrome 1. Last evaluated: 2023-11-26. Review status: criteria provided, single submitter. Criteria: ACMG Guidelines, 2015. Collection method: clinical testing. Allele origin: unknown.